The following is an entry in ClinVar:

NM_018451.5(CPAP):c.2500C>T (p.Leu834=)

Gene: CPAP (centrosome assembly and centriole elongation protein; minus strand). Cytogenetic location: 13q12.13.
Variant type: single nucleotide variant.
Coding change: c.2500C>T on transcript NM_018451.5 (MANE Select); coding-DNA position 2500, C replaced by T.
Protein change: p.Leu834=; no amino-acid change (leucine 834 retained).
Molecular consequence: synonymous variant. On other transcripts: non-coding transcript variant (2).
Genome position (GRCh38, 1-based): chr13:24,905,538, G>A on the plus strand (C>T on the coding strand, the complement: CPAP is on the minus strand). VCF-style: chr13-24905538-G-A. GRCh37 (hg19) VCF-style: chr13-25479676-G-A.
Identifiers: ClinVar variation 210662 (VCV000210662.47), dbSNP rs148738982, ClinGen allele CA207320.

ClinVar aggregate classification (germline): Conflicting classifications of pathogenicity. Review status: criteria provided, conflicting classifications (1 of 4 stars). 7 submissions from 6 submitters: Uncertain significance (3); Likely benign (4). Last evaluated 2026-01-26.

Conditions:
Seckel syndrome 4 (SCKL4). Identifiers: Orphanet 808, MedGen C3888212, MONDO:0013358, OMIM 613676.
CPAP-related condition.
Microcephaly 6, primary, autosomal recessive. Identifiers: Orphanet 2512, MedGen C1842109, MONDO:0012029, OMIM 608393.

Allele frequency attached by ClinVar (database versions not stated): ESP Exome Variant Server 0.00008; gnomAD exomes 0.00011 and 0.00014; TOPMed 0.00013; ExAC 0.00014; gnomAD 0.00014.
gnomAD v4.1: 222 of 1,614,004 alleles (0.014%); highest among the groups gnomAD compares: Middle Eastern, 0.066%; 2 homozygotes.

Submissions (7):

PreventionGenetics, part of Exact Sciences
Classification: Likely benign for CPAP-related condition. Last evaluated: 2026-01-26. Review status: criteria provided, single submitter. Criteria: ACMG Guidelines, 2015. Collection method: clinical testing. Allele origin: germline.
Comment: This variant is classified as likely benign based on ACMG/AMP sequence variant interpretation guidelines (Richards et al. 2015 PMID: 25741868, with internal and published modifications).

Labcorp Genetics (formerly Invitae), Labcorp
Classification: Likely benign. Last evaluated: 2025-09-11. Review status: criteria provided, single submitter. Criteria: Invitae Variant Classification Sherloc (09022015). Collection method: clinical testing. Allele origin: germline.

Blueprint Genetics
Classification: Likely benign. Last evaluated: 2024-11-15. Review status: criteria provided, single submitter. Criteria: ACMG Guidelines, 2015. Collection method: clinical testing. Allele origin: germline.

CeGaT Center for Human Genetics Tuebingen
Classification: Likely benign. Last evaluated: 2022-03-01. Review status: criteria provided, single submitter. Criteria: CeGaT Center For Human Genetics Tuebingen Variant Classification Criteria Version 2. Collection method: clinical testing. Allele origin: germline. Affected: yes. Observed: 1 variant allele.
Comment: CPAP: BP4, BP7

Illumina Laboratory Services, Illumina
Classification: Uncertain significance for Seckel syndrome 4. Last evaluated: 2018-01-12. Review status: criteria provided, single submitter. Criteria: ICSL Variant Classification Criteria 13 December 2019. Collection method: clinical testing. Allele origin: germline.

Illumina Laboratory Services, Illumina
Classification: Uncertain significance for Microcephaly 6, primary, autosomal recessive. Last evaluated: 2018-01-12. Review status: criteria provided, single submitter. Criteria: ICSL Variant Classification Criteria 13 December 2019. Collection method: clinical testing. Allele origin: germline.

Genetic Services Laboratory, University of Chicago
Classification: Uncertain significance. Last evaluated: 2014-08-29. Review status: criteria provided, single submitter. Criteria: ACMG Guidelines, 2015. Collection method: clinical testing. Allele origin: germline.